The following is an entry in ClinVar:

NC_000013.10:g.(?_50114992)_(50115162_?)del

Gene: RCBTB1 (RCC1 and BTB domain containing protein 1; minus strand). Cytogenetic location: 13q14.2.
Variant type: Deletion.
Identifiers: ClinVar variation 2426452 (VCV002426452.4).

ClinVar aggregate classification (germline): Uncertain significance (1 of 4 stars; one submission).

Submission:

Labcorp Genetics (formerly Invitae), Labcorp
Classification: Uncertain significance. Last evaluated: 2022-07-10. Review status: criteria provided, single submitter. Criteria: Invitae Variant Classification Sherloc (09022015). Collection method: clinical testing. Allele origin: germline.
Comment: Experimental studies and prediction algorithms are not available or were not evaluated, and the functional significance of this variant is currently unknown. This variant has not been reported in the literature in individuals affected with RCBTB1-related conditions. This variant is a gross deletion of the genomic region encompassing exon(s) 12 of the RCBTB1 gene. While this deletion is not anticipated to lead to nonsense mediated decay, it is expected to disrupt the C-terminus of the protein. In summary, the available evidence is currently insufficient to determine the role of this variant in disease. Therefore, it has been classified as a Variant of Uncertain Significance.